The following is an entry in ClinVar:

ClinVar aggregate classification (germline): Uncertain significance. Review status: criteria provided, multiple submitters, no conflicts (2 of 4 stars). 2 submissions from 2 submitters: Uncertain significance (2). Last evaluated 2026-06-30.

Conditions:
Peutz-Jeghers syndrome (PJS). Also called: Peutz-Jeghers polyposis; Periorificial lentiginosis syndrome; POLYPOSIS, HAMARTOMATOUS INTESTINAL; POLYPS-AND-SPOTS SYNDROME. Identifiers: Orphanet 2869, MedGen C0031269, MeSH D010580, MONDO:0008280, OMIM 175200.
Hereditary cancer-predisposing syndrome. Also called: Hereditary Cancer Syndrome; Hereditary neoplastic syndrome; Neoplastic Syndromes, Hereditary; Tumor predisposition. Identifiers: Orphanet 140162, MedGen C0027672, MeSH D009386, MONDO:0015356.

gnomAD v4.1: 1 of 1,585,618 alleles (0.000063%); highest among the groups gnomAD compares: Non-Finnish European, 0.000086%; no homozygotes.

Submissions (2):

Ambry Genetics
Classification: Uncertain significance for Hereditary cancer-predisposing syndrome. Last evaluated: 2026-06-30. Review status: criteria provided, single submitter. Criteria: Ambry Variant Classification Scheme 2023. Collection method: clinical testing. Allele origin: germline.
Comment: The p.H202Q variant (also known as c.606C>A), located in coding exon 5 of the STK11 gene, results from a C to A substitution at nucleotide position 606. The histidine at codon 202 is replaced by glutamine, an amino acid with highly similar properties. This amino acid position is well conserved in available vertebrate species. In addition, this alteration is predicted to be tolerated by in silico analysis. Based on the available evidence, the clinical significance of this variant remains unclear.

Labcorp Genetics (formerly Invitae), Labcorp
Classification: Uncertain significance for Peutz-Jeghers syndrome. Last evaluated: 2022-10-27. Review status: criteria provided, single submitter. Criteria: Invitae Variant Classification Sherloc (09022015). Collection method: clinical testing. Allele origin: germline.
Comment: In summary, the available evidence is currently insufficient to determine the role of this variant in disease. Therefore, it has been classified as a Variant of Uncertain Significance. Advanced modeling of protein sequence and biophysical properties (such as structural, functional, and spatial information, amino acid conservation, physicochemical variation, residue mobility, and thermodynamic stability) performed at Invitae indicates that this missense variant is not expected to disrupt STK11 protein function. This variant has not been reported in the literature in individuals affected with STK11-related conditions. This variant is not present in population databases (gnomAD no frequency). This sequence change replaces histidine, which is basic and polar, with glutamine, which is neutral and polar, at codon 202 of the STK11 protein (p.His202Gln).

NM_000455.5(STK11):c.606C>A (p.His202Gln)

Gene: STK11 (serine/threonine kinase 11; plus strand). Cytogenetic location: 19p13.3.
Variant type: single nucleotide variant.
Coding change: c.606C>A on transcript NM_000455.5 (MANE Select); coding-DNA position 606, C replaced by A.
Protein change: p.His202Gln; replaces histidine 202 with glutamine.
Molecular consequence: missense variant. On other transcripts: non-coding transcript variant (1).
Genome position (GRCh38, 1-based): chr19:1,220,589, C>A. VCF-style: chr19-1220589-C-A. GRCh37 (hg19) VCF-style: chr19-1220588-C-A.
Other names: c.606C>A, p.His202Gln (NM_001407255.1); short protein forms H202Q.
Identifiers: ClinVar variation 3014272 (VCV003014272.4), dbSNP rs2080775908, ClinGen allele CA402949423.
Genomic context (GRCh38, chr19:1,220,589, plus strand): 5'-CTGGGGCGCCCCCTCCCGGGCACTCCCTGAGGGCTGCACGGCACCGCCACAGGCACTGCA[C>A]CCGTTCGCGGCGGACGACACCTGCCGGACCAGCCAGGGCTCCCCGGCTTTCCAGCCGCCC-3'
Protein context (NP_000446.1, residues 192-212): ISDLGVAEAL[His202Gln]PFAADDTCRT